The following is an entry in ClinVar:

ClinVar aggregate classification (germline): Uncertain significance (1 of 4 stars; one submission).

Conditions:
CFI-related disorder. Also called: CFI-related condition; CFI-related disorders. Identifiers: MedGen CN239325.

Submission:

Genomenon, Inc
Classification: Uncertain significance for CFI-related disorder. Last evaluated: 2025-09-26. Review status: criteria provided, single submitter. Criteria: Genomenon Sequence Variant Interpretation Standards - Updated. Collection method: curation. Allele origin: germline. Affected: no.
Comment: CFI p.Val114Ala (c.341T>C) is a missense variant that changes the amino acid at residue 114 from Valine to Alanine. This variant has been reported in the published literature (PMID:29500241). It is absent or not present at a significant frequency in gnomAD. In silico models agree that this variant is not damaging. In conclusion, we classify CFI p.Val114Ala (c.341T>C) as a variant of unknown significance.

Literature cited by the submitters: PubMed 29500241.

NM_000204.5(CFI):c.341T>C (p.Val114Ala)

Gene: CFI (complement factor I; minus strand). Cytogenetic location: 4q25.
Variant type: single nucleotide variant.
Coding change: c.341T>C on transcript NM_000204.5 (MANE Select); coding-DNA position 341, T replaced by C.
Protein change: p.Val114Ala; replaces valine 114 with alanine.
Molecular consequence: missense variant. On other transcripts: non-coding transcript variant (3), intron variant (1).
Genome position (GRCh38, 1-based): chr4:109,764,678, A>G on the plus strand (T>C on the coding strand, the complement: CFI is on the minus strand). VCF-style: chr4-109764678-A-G. GRCh37 (hg19) VCF-style: chr4-110685834-A-G.
Other names: c.341T>C, p.Val114Ala (NM_001318057.2, NM_001331035.2, NM_001375278.1 and 10 more transcripts); c.-127-2986T>C (NM_001375284.1); short protein forms V114A.
Identifiers: ClinVar variation 4280550 (VCV004280550.1).
Genomic context (GRCh38, chr4:109,764,678, plus strand): 5'-TGGTCCACAAGTTTTACTTCAACTATTCCCTCTGAATCTGTATTTCCATGCTTCAAGGAA[A>G]CACTAAACTTTCCTAAAATAAAAAAACAAAATAATGTGCAATATGTAGCCATTCACTTTT-3'
Protein context (NP_000195.3, residues 104-124): GTCTAEGKFS[Val114Ala]SLKHGNTDSE